The following is an entry in ClinVar:

ClinVar aggregate classification (germline): Conflicting classifications of pathogenicity. Review status: criteria provided, conflicting classifications (1 of 4 stars). 2 submissions from 2 submitters: Uncertain significance (1); Likely benign (1). Last evaluated 2022-12-28.

Conditions:
Cardiovascular phenotype. Identifiers: MedGen CN230736.
Long QT syndrome (LQTS). Identifiers: MedGen C0023976, MeSH D008133, MONDO:0002442. Disease mechanism: loss of function. Inheritance: Various modes of inheritance.

Allele frequency attached by ClinVar (database versions not stated): ESP Exome Variant Server 0.00015.
gnomAD v4.1: 3 of 1,320,414 alleles (0.00023%); highest among the groups gnomAD compares: African/African-American, 0.0031%; no homozygotes.

Submissions (2):

Ambry Genetics
Classification: Likely benign for Cardiovascular phenotype. Last evaluated: 2022-12-28. Review status: criteria provided, single submitter. Criteria: Ambry Variant Classification Scheme 2023. Collection method: clinical testing. Allele origin: germline.

Labcorp Genetics (formerly Invitae), Labcorp
Classification: Uncertain significance for Long QT syndrome. Last evaluated: 2022-07-14. Review status: criteria provided, single submitter. Criteria: Invitae Variant Classification Sherloc (09022015). Collection method: clinical testing. Allele origin: germline.
Comment: This sequence change replaces valine, which is neutral and non-polar, with leucine, which is neutral and non-polar, at codon 796 of the KCNH2 protein (p.Val796Leu). This variant is present in population databases (rs143335921, gnomAD 0.01%). This variant has not been reported in the literature in individuals affected with KCNH2-related conditions. ClinVar contains an entry for this variant (Variation ID: 200438). Algorithms developed to predict the effect of missense changes on protein structure and function are either unavailable or do not agree on the potential impact of this missense change (SIFT: "Tolerated"; PolyPhen-2: "Probably Damaging"; Align-GVGD: "Class C0"). In summary, the available evidence is currently insufficient to determine the role of this variant in disease. Therefore, it has been classified as a Variant of Uncertain Significance.

NM_000238.4(KCNH2):c.2386G>C (p.Val796Leu)

Gene: KCNH2 (potassium voltage-gated channel subfamily H member 2; minus strand). Cytogenetic location: 7q36.1.
Variant type: single nucleotide variant.
Coding change: c.2386G>C on transcript NM_000238.4 (MANE Select); coding-DNA position 2386, G replaced by C.
Protein change: p.Val796Leu; replaces valine 796 with leucine.
Molecular consequence: missense variant.
Genome position (GRCh38, 1-based): chr7:150,950,180, C>G on the plus strand (G>C on the coding strand, the complement: KCNH2 is on the minus strand). VCF-style: chr7-150950180-C-G. GRCh37 (hg19) VCF-style: chr7-150647268-C-G.
Other names: c.1366G>C, p.Val456Leu (NM_001204798.2, NM_172057.3); c.2098G>C, p.Val700Leu (NM_001406753.1, NM_001406756.1); c.2209G>C, p.Val737Leu (NM_001406755.1); c.2086G>C, p.Val696Leu (NM_001406757.1); c.2386G>C, p.Val796Leu (NM_172056.3); short protein forms V456L, V796L, V700L, V737L, V696L.
Identifiers: ClinVar variation 200438 (VCV000200438.11), dbSNP rs143335921, ClinGen allele CA006553.